The following is an entry in ClinVar:

ClinVar aggregate classification (germline): Likely benign. Review status: criteria provided, multiple submitters, no conflicts (2 of 4 stars). 4 submissions from 4 submitters: Likely benign (3). 1 of the submissions does not count toward it. Last evaluated 2025-07-01.

Conditions:
Charcot-Marie-Tooth disease type 4. Also called: Charcot-Marie-Tooth disease, type IV; Charcot-Marie-Tooth, Type 4. Identifiers: Orphanet 64749, MedGen C4082197, MONDO:0018995.
FIG4-related disorder. Also called: FIG4-related disorders; FIG4-related condition.
Inborn genetic diseases. Identifiers: MedGen C0950123, MeSH D030342.

Allele frequency attached by ClinVar (database versions not stated): ExAC 0.00001; gnomAD 0.00001 and 0.00002; gnomAD exomes 0.00001; TOPMed 0.00002; ESP Exome Variant Server 0.00008.
gnomAD v4.1: 15 of 1,613,672 alleles (0.00093%); highest among the groups gnomAD compares: Non-Finnish European, 0.0012%; no homozygotes.

Submissions (4):

CeGaT Center for Human Genetics Tuebingen
Classification: Likely benign. Last evaluated: 2025-07-01. Review status: criteria provided, single submitter. Criteria: CeGaT Center For Human Genetics Tuebingen Variant Classification Criteria Version 2. Collection method: clinical testing. Allele origin: germline. Affected: yes. Observed: 1 variant allele.
Comment: FIG4: BP4, BS2

Labcorp Genetics (formerly Invitae), Labcorp
Classification: Likely benign for Charcot-Marie-Tooth disease type 4. Last evaluated: 2024-07-18. Review status: criteria provided, single submitter. Criteria: Invitae Variant Classification Sherloc (09022015). Collection method: clinical testing. Allele origin: germline.

Ambry Genetics
Classification: Likely benign for Inborn genetic diseases. Last evaluated: 2019-07-11. Review status: criteria provided, single submitter. Criteria: Ambry Variant Classification Scheme 2023. Collection method: clinical testing. Allele origin: germline.

PreventionGenetics, part of Exact Sciences
Classification: Likely benign for FIG4-related condition. Last evaluated: 2022-04-07. Review status: no assertion criteria provided. Collection method: clinical testing. Allele origin: germline. Not counted in ClinVar's aggregate classification.
Comment: This variant is classified as likely benign based on ACMG/AMP sequence variant interpretation guidelines (Richards et al. 2015 PMID: 25741868, with internal and published modifications).

NM_014845.6(FIG4):c.1525C>T (p.Leu509=)

Gene: FIG4 (FIG4 phosphoinositide 5-phosphatase; plus strand). Cytogenetic location: 6q21.
Variant type: single nucleotide variant.
Coding change: c.1525C>T on transcript NM_014845.6 (MANE Select); coding-DNA position 1525, C replaced by T.
Protein change: p.Leu509=; no amino-acid change (leucine 509 retained).
Molecular consequence: synonymous variant.
Genome position (GRCh38, 1-based): chr6:109,765,103, C>T. VCF-style: chr6-109765103-C-T. GRCh37 (hg19) VCF-style: chr6-110086306-C-T.
Identifiers: ClinVar variation 543438 (VCV000543438.22), dbSNP rs146488614, ClinGen allele CA3956113.